The following is an entry in ClinVar:

ClinVar aggregate classification (germline): Uncertain significance. Review status: criteria provided, multiple submitters, no conflicts (2 of 4 stars). 2 submissions from 2 submitters: Uncertain significance (2). Last evaluated 2025-10-22.

Conditions:
Hereditary cancer-predisposing syndrome. Also called: Tumor predisposition; Neoplastic Syndromes, Hereditary; Hereditary Cancer Syndrome; Hereditary neoplastic syndrome. Identifiers: Orphanet 140162, MedGen C0027672, MeSH D009386, MONDO:0015356.
Neurofibromatosis, type 2 (SWNV). Also called: BILATERAL ACOUSTIC NEUROFIBROMATOSIS; NF2-Related Schwannomatosis; SCHWANNOMATOSIS, VESTIBULAR. Identifiers: Orphanet 637, MedGen C0027832, MONDO:0007039, OMIM 101000. Disease mechanism: loss of function.

Allele frequency attached by ClinVar (database versions not stated): gnomAD exomes 0.00001.
gnomAD v4.1: 4 of 1,613,092 alleles (0.00025%); highest among the groups gnomAD compares: South Asian, 0.0044%; no homozygotes.

Submissions (2):

Ambry Genetics
Classification: Uncertain significance for Hereditary cancer-predisposing syndrome. Last evaluated: 2025-10-22. Review status: criteria provided, single submitter. Criteria: Ambry Variant Classification Scheme 2023. Collection method: clinical testing. Allele origin: germline.
Comment: The p.T189S variant (also known as c.566C>G), located in coding exon 6 of the NF2 gene, results from a C to G substitution at nucleotide position 566. The threonine at codon 189 is replaced by serine, an amino acid with similar properties. This amino acid position is conserved. In addition, the in silico prediction for this alteration is inconclusive. Since supporting evidence is limited at this time, the clinical significance of this alteration remains unclear.

Labcorp Genetics (formerly Invitae), Labcorp
Classification: Uncertain significance for Neurofibromatosis, type 2. Last evaluated: 2023-12-13. Review status: criteria provided, single submitter. Criteria: Invitae Variant Classification Sherloc (09022015). Collection method: clinical testing. Allele origin: germline.
Comment: This sequence change replaces threonine, which is neutral and polar, with serine, which is neutral and polar, at codon 189 of the NF2 protein (p.Thr189Ser). This variant is not present in population databases (gnomAD no frequency). This variant has not been reported in the literature in individuals affected with NF2-related conditions. ClinVar contains an entry for this variant (Variation ID: 1408665). Advanced modeling of protein sequence and biophysical properties (such as structural, functional, and spatial information, amino acid conservation, physicochemical variation, residue mobility, and thermodynamic stability) performed at Invitae indicates that this missense variant is not expected to disrupt NF2 protein function with a negative predictive value of 80%. In summary, the available evidence is currently insufficient to determine the role of this variant in disease. Therefore, it has been classified as a Variant of Uncertain Significance.

NM_000268.4(NF2):c.566C>G (p.Thr189Ser)

Gene: NF2 (NF2, moesin-ezrin-radixin like (MERLIN) tumor suppressor; plus strand). Cytogenetic location: 22q12.2.
Variant type: single nucleotide variant.
Coding change: c.566C>G on transcript NM_000268.4 (MANE Select); coding-DNA position 566, C replaced by G.
Protein change: p.Thr189Ser; replaces threonine 189 with serine.
Molecular consequence: missense variant. On other transcripts: non-coding transcript variant (1), intron variant (1).
Genome position (GRCh38, 1-based): chr22:29,655,643, C>G. VCF-style: chr22-29655643-C-G. GRCh37 (hg19) VCF-style: chr22-30051632-C-G.
Other names: c.566C>G, p.Thr189Ser (NM_016418.5, NM_181825.3, NM_181832.3); c.440C>G, p.Thr147Ser (NM_181828.3); c.443C>G, p.Thr148Ser (NM_181829.3); c.317C>G, p.Thr106Ser (NM_181830.3, NM_181831.3); c.447+13358C>G (NM_181833.3); c.566C>G (NM_000268.3); short protein forms T106S, T148S, T189S, T147S.
Identifiers: ClinVar variation 1408665 (VCV001408665.10), dbSNP rs2066280562, ClinGen allele CA411142630.
Genomic context (GRCh38, chr22:29,655,643, plus strand): 5'-TTTTTTGGTAGGTAATAAATCTGTATCAGATGACTCCGGAAATGTGGGAGGAGAGAATTA[C>G]TGCTTGGTACGCAGAGCACCGAGGCCGAGCCAGGTGAGGCCCATTCATTGTTGGTTTACA-3'
Protein context (NP_000259.1, residues 179-199): MTPEMWEERI[Thr189Ser]AWYAEHRGRA